The following is an entry in ClinVar:

NM_014669.5(NUP93):c.508G>T (p.Val170Leu)

Gene: NUP93 (nucleoporin 93; plus strand). Cytogenetic location: 16q13.
Variant type: single nucleotide variant.
Coding change: c.508G>T on transcript NM_014669.5 (MANE Select); coding-DNA position 508, G replaced by T.
Protein change: p.Val170Leu; replaces valine 170 with leucine.
Molecular consequence: missense variant.
Genome position (GRCh38, 1-based): chr16:56,818,682, G>T. VCF-style: chr16-56818682-G-T. GRCh37 (hg19) VCF-style: chr16-56852594-G-T.
Other names: c.139G>T, p.Val47Leu (NM_001242795.2, NM_001242796.2); short protein forms V47L, V170L.
Identifiers: ClinVar variation 1971833 (VCV001971833.5), dbSNP rs1266158268, ClinGen allele CA395981438.

ClinVar aggregate classification (germline): Uncertain significance (1 of 4 stars; one submission).

Allele frequency attached by ClinVar (database versions not stated): TOPMed below 0.00001.

Submission:

Labcorp Genetics (formerly Invitae), Labcorp
Classification: Uncertain significance. Last evaluated: 2022-07-06. Review status: criteria provided, single submitter. Criteria: Invitae Variant Classification Sherloc (09022015). Collection method: clinical testing. Allele origin: germline.
Comment: In summary, the available evidence is currently insufficient to determine the role of this variant in disease. Therefore, it has been classified as a Variant of Uncertain Significance. Algorithms developed to predict the effect of missense changes on protein structure and function output the following: SIFT: "Tolerated"; PolyPhen-2: "Benign"; Align-GVGD: "Class C0". The leucine amino acid residue is found in multiple mammalian species, which suggests that this missense change does not adversely affect protein function. This variant has not been reported in the literature in individuals affected with NUP93-related conditions. This variant is present in population databases (no rsID available, gnomAD 0.0009%). This sequence change replaces valine, which is neutral and non-polar, with leucine, which is neutral and non-polar, at codon 170 of the NUP93 protein (p.Val170Leu).